The following is an entry in ClinVar:

NM_024570.4(RNASEH2B):c.528A>G (p.Ala176=)

Gene: RNASEH2B (ribonuclease H2 subunit B; plus strand). Cytogenetic location: 13q14.3.
Variant type: single nucleotide variant.
Coding change: c.528A>G on transcript NM_024570.4 (MANE Select); coding-DNA position 528, A replaced by G.
Protein change: p.Ala176=; no amino-acid change (alanine 176 retained).
Molecular consequence: synonymous variant.
Genome position (GRCh38, 1-based): chr13:50,945,444, A>G. VCF-style: chr13-50945444-A-G. GRCh37 (hg19) VCF-style: chr13-51519580-A-G.
Other names: c.528A>G, p.Ala176= (NM_001142279.2).
Identifiers: ClinVar variation 882782 (VCV000882782.6), dbSNP rs768340427, ClinGen allele CA6985612.

ClinVar aggregate classification (germline): Uncertain significance. Review status: criteria provided, single submitter (1 of 4 stars). 2 submissions from 2 submitters: Uncertain significance (1). 1 of the submissions does not count toward it. Last evaluated 2018-01-13.

Conditions:
RNASEH2B-related disorder. Also called: RNASEH2B-related condition.
Aicardi-Goutieres syndrome 2. Identifiers: Orphanet 51, MedGen C3489724, MONDO:0012429, OMIM 610181.

Allele frequency attached by ClinVar (database versions not stated): gnomAD exomes below 0.00001; ExAC 0.00001.
gnomAD v4.1: 2 of 1,613,096 alleles (0.00012%); highest among the groups gnomAD compares: Non-Finnish European, 0.00017%; no homozygotes.

Submissions (2):

Illumina Laboratory Services, Illumina
Classification: Uncertain significance for Aicardi-Goutieres syndrome 2. Last evaluated: 2018-01-13. Review status: criteria provided, single submitter. Criteria: ICSL Variant Classification Criteria 13 December 2019. Collection method: clinical testing. Allele origin: germline.

PreventionGenetics, part of Exact Sciences
Classification: Likely benign for RNASEH2B-related condition. Last evaluated: 2019-05-14. Review status: no assertion criteria provided. Collection method: clinical testing. Allele origin: germline. Not counted in ClinVar's aggregate classification.
Comment: This variant is classified as likely benign based on ACMG/AMP sequence variant interpretation guidelines (Richards et al. 2015 PMID: 25741868, with internal and published modifications).